The following is an entry in ClinVar:

NM_004304.5(ALK):c.4720C>A (p.Leu1574Ile)

Gene: ALK (ALK receptor tyrosine kinase; minus strand). Cytogenetic location: 2p23.2.
Variant type: single nucleotide variant.
Coding change: c.4720C>A on transcript NM_004304.5 (MANE Select); coding-DNA position 4720, C replaced by A.
Protein change: p.Leu1574Ile; replaces leucine 1574 with isoleucine.
Molecular consequence: missense variant.
Genome position (GRCh38, 1-based): chr2:29,193,367, G>T on the plus strand (C>A on the coding strand, the complement: ALK is on the minus strand). VCF-style: chr2-29193367-G-T. GRCh37 (hg19) VCF-style: chr2-29416233-G-T.
Other names: c.1516C>A, p.Leu506Ile (NM_001353765.2); c.4720C>A (NM_004304.4); short protein forms L506I, L1574I.
Identifiers: ClinVar variation 2196240 (VCV002196240.8), dbSNP rs770217830, ClinGen allele CA1593506.

ClinVar aggregate classification (germline): Uncertain significance. Review status: criteria provided, multiple submitters, no conflicts (2 of 4 stars). 3 submissions from 3 submitters: Uncertain significance (3). Last evaluated 2025-12-15.

Conditions:
Hereditary cancer-predisposing syndrome. Also called: Hereditary neoplastic syndrome; Neoplastic Syndromes, Hereditary; Tumor predisposition; Hereditary Cancer Syndrome. Identifiers: Orphanet 140162, MedGen C0027672, MeSH D009386, MONDO:0015356.
Neuroblastoma, susceptibility to, 3. Also called: ALK-Related Neuroblastic Tumor Susceptibility. Identifiers: Orphanet 635, MedGen C2751681, MONDO:0013083, OMIM 613014.

Allele frequency attached by ClinVar (database versions not stated): gnomAD exomes 0.00001; ExAC 0.00003.
gnomAD v4.1: 7 of 1,614,198 alleles (0.00043%); highest among the groups gnomAD compares: Non-Finnish European, 0.00059%; no homozygotes.

Submissions (3):

Ambry Genetics
Classification: Uncertain significance for Hereditary cancer-predisposing syndrome. Last evaluated: 2025-12-15. Review status: criteria provided, single submitter. Criteria: Ambry Variant Classification Scheme 2023. Collection method: clinical testing. Allele origin: germline.
Comment: The p.L1574I variant (also known as c.4720C>A), located in coding exon 29 of the ALK gene, results from a C to A substitution at nucleotide position 4720. The leucine at codon 1574 is replaced by isoleucine, an amino acid with highly similar properties. This amino acid position is conserved. In addition, this alteration is predicted to be tolerated by in silico analysis. Since supporting evidence is limited at this time, the clinical significance of this alteration remains unclear.

GeneDx
Classification: Uncertain significance. Last evaluated: 2024-05-01. Review status: criteria provided, single submitter. Criteria: GeneDx Variant Classification Process June 2021. Collection method: clinical testing. Allele origin: germline. Affected: yes.
Comment: Not observed at significant frequency in large population cohorts (gnomAD); In silico analysis indicates that this missense variant does not alter protein structure/function; Has not been previously published as pathogenic or benign to our knowledge

Labcorp Genetics (formerly Invitae), Labcorp
Classification: Uncertain significance for Neuroblastoma, susceptibility to, 3. Last evaluated: 2024-03-16. Review status: criteria provided, single submitter. Criteria: Invitae Variant Classification Sherloc (09022015). Collection method: clinical testing. Allele origin: germline.
Comment: This sequence change replaces leucine, which is neutral and non-polar, with isoleucine, which is neutral and non-polar, at codon 1574 of the ALK protein (p.Leu1574Ile). This variant is present in population databases (rs770217830, gnomAD 0.004%). This variant has not been reported in the literature in individuals affected with ALK-related conditions. ClinVar contains an entry for this variant (Variation ID: 2196240). An algorithm developed to predict the effect of missense changes on protein structure and function (PolyPhen-2) suggests that this variant is likely to be disruptive. In summary, the available evidence is currently insufficient to determine the role of this variant in disease. Therefore, it has been classified as a Variant of Uncertain Significance.